The following is an entry in ClinVar:

ClinVar aggregate classification (germline): Likely benign. Review status: criteria provided, multiple submitters, no conflicts (2 of 4 stars). 2 submissions from 2 submitters: Likely benign (2). Last evaluated 2026-04-16.

Conditions:
JAG1-related disorder. Also called: JAG1-related disorders; JAG1-related condition.
Alagille syndrome due to a JAG1 point mutation. Also called: JAG1-Related Alagille Syndrome; Alagille Syndrome 1; HEPATIC DUCTULAR HYPOPLASIA, SYNDROMATIC. Identifiers: Orphanet 261619, Orphanet 52, MedGen C1956125, MONDO:0016862, OMIM 118450.

gnomAD v4.1: 2 of 1,613,500 alleles (0.00012%); highest among the groups gnomAD compares: African/African-American, 0.0027%; no homozygotes.

Submissions (2):

PreventionGenetics, part of Exact Sciences
Classification: Likely benign for JAG1-related condition. Last evaluated: 2026-04-16. Review status: criteria provided, single submitter. Criteria: ACMG Guidelines, 2015. Collection method: clinical testing. Allele origin: germline.
Comment: This variant is classified as likely benign based on ACMG/AMP sequence variant interpretation guidelines (Richards et al. 2015 PMID: 25741868, with internal and published modifications).

Labcorp Genetics (formerly Invitae), Labcorp
Classification: Likely benign for Alagille syndrome due to a JAG1 point mutation. Last evaluated: 2024-12-09. Review status: criteria provided, single submitter. Criteria: Invitae Variant Classification Sherloc (09022015). Collection method: clinical testing. Allele origin: germline.

NM_000214.3(JAG1):c.1396-9C>G

Gene: JAG1 (jagged canonical Notch ligand 1; minus strand). Cytogenetic location: 20p12.2.
Variant type: single nucleotide variant.
Coding change: c.1396-9C>G on transcript NM_000214.3 (MANE Select); 9 bases into the intron before coding-DNA position 1396, C replaced by G.
Molecular consequence: intron variant.
Genome position (GRCh38, 1-based): chr20:10,648,731, G>C on the plus strand (C>G on the coding strand, the complement: JAG1 is on the minus strand). VCF-style: chr20-10648731-G-C. GRCh37 (hg19) VCF-style: chr20-10629379-G-C.
Other names: c.1396-9C>G (NM_000214.2).
Identifiers: ClinVar variation 1127817 (VCV001127817.10), dbSNP rs780478823, ClinGen allele CA311347288.